The following is an entry in ClinVar:

ClinVar aggregate classification (germline): Uncertain significance (1 of 4 stars; one submission).

Conditions:
Charcot-Marie-Tooth disease type 4. Also called: Charcot-Marie-Tooth disease, type IV; Charcot-Marie-Tooth, Type 4. Identifiers: Orphanet 64749, MedGen C4082197, MONDO:0018995.

Allele frequency attached by ClinVar (database versions not stated): gnomAD exomes below 0.00001.
gnomAD v4.1: 2 of 1,613,900 alleles (0.00012%); highest among the groups gnomAD compares: Non-Finnish European, 0.00017%; no homozygotes.

Submission:

Labcorp Genetics (formerly Invitae), Labcorp
Classification: Uncertain significance for Charcot-Marie-Tooth disease type 4. Last evaluated: 2021-03-05. Review status: criteria provided, single submitter. Criteria: Invitae Variant Classification Sherloc (09022015). Collection method: clinical testing. Allele origin: germline.
Comment: This variant is not present in population databases (ExAC no frequency). This sequence change replaces valine with alanine at codon 135 of the MTMR2 protein (p.Val135Ala). The valine residue is moderately conserved and there is a small physicochemical difference between valine and alanine. This variant has not been reported in the literature in individuals with MTMR2-related conditions. In summary, the available evidence is currently insufficient to determine the role of this variant in disease. Therefore, it has been classified as a Variant of Uncertain Significance. Algorithms developed to predict the effect of missense changes on protein structure and function (SIFT, PolyPhen-2, Align-GVGD) all suggest that this variant is likely to be disruptive, but these predictions have not been confirmed by published functional studies and their clinical significance is uncertain.

NM_016156.6(MTMR2):c.404T>C (p.Val135Ala)

Gene: MTMR2 (myotubularin related protein 2; minus strand). Cytogenetic location: 11q21.
Variant type: single nucleotide variant.
Coding change: c.404T>C on transcript NM_016156.6 (MANE Select); coding-DNA position 404, T replaced by C.
Protein change: p.Val135Ala; replaces valine 135 with alanine.
Molecular consequence: missense variant.
Genome position (GRCh38, 1-based): chr11:95,862,056, A>G on the plus strand (T>C on the coding strand, the complement: MTMR2 is on the minus strand). VCF-style: chr11-95862056-A-G. GRCh37 (hg19) VCF-style: chr11-95595220-A-G.
Other names: c.188T>C, p.Val63Ala (NM_001243571.2, NM_201278.3, NM_201281.3); short protein forms V63A, V135A.
Identifiers: ClinVar variation 842092 (VCV000842092.9), dbSNP rs1864439728, ClinGen allele CA382429560.
Genomic context (GRCh38, chr11:95,862,056, plus strand): 5'-CACACAGTTTCTAGTCCATAAGAATTTTCACCTCGACTAGAAGCACCACCAATTTTTTCT[A>G]CTCTATTTATCACACCAAGGGAAGCATCTAAAACAAATGGGGGATCCTAAAGAAGGAAAG-3'
Protein context (NP_057240.3, residues 125-145): LDASLGVINR[Val135Ala]EKIGGASSRG